The following is an entry in ClinVar:

ClinVar aggregate classification (germline): Uncertain significance. Review status: criteria provided, multiple submitters, no conflicts (2 of 4 stars). 4 submissions from 4 submitters: Uncertain significance (4). Last evaluated 2025-05-28.

Conditions:
Joubert syndrome. Also called: CEREBELLOPARENCHYMAL DISORDER IV; JOUBERT-BOLTSHAUSER SYNDROME; Familial aplasia of the vermis. Identifiers: Orphanet 475, MedGen C5979921, MONDO:0018772.
Nephronophthisis. Also called: Juvenile Nephronophthisis. Identifiers: Orphanet 655, MedGen C0687120, MONDO:0019005, HP:0000090.
Meckel-Gruber syndrome. Also called: DYSENCEPHALIA SPLANCHNOCYSTICA; GRUBER SYNDROME; Dysencephalia splachnocystica. Identifiers: Orphanet 564, MedGen C0265215, MONDO:0018921.
Inborn genetic diseases. Identifiers: MedGen C0950123, MeSH D030342.
Joubert syndrome 5 (JBTS5). Identifiers: Orphanet 2318, MedGen C1857780, MONDO:0012432, OMIM 610188.
Senior-Loken syndrome 6 (SLSN6). Identifiers: Orphanet 3156, MedGen C1857779, MONDO:0012433, OMIM 610189.
Meckel syndrome, type 4 (MKS4). Also called: MECKEL-GRUBER SYNDROME, TYPE 4. Identifiers: Orphanet 564, MedGen C1970161, MONDO:0012626, OMIM 611134.
Leber congenital amaurosis 10 (LCA10). Identifiers: Orphanet 65, MedGen C1857821, MONDO:0012723, OMIM 611755.
Bardet-Biedl syndrome 14 (BBS14). Identifiers: Orphanet 110, MedGen C2673874, MONDO:0014442, OMIM 615991.

Allele frequency attached by ClinVar (database versions not stated): gnomAD 0.00001; TOPMed 0.00001.
gnomAD v4.1: 1 of 1,611,634 alleles (0.000062%); highest among the groups gnomAD compares: Admixed American, 0.0017%; no homozygotes.

Submissions (4):

Ambry Genetics
Classification: Uncertain significance for Inborn genetic diseases. Last evaluated: 2025-05-28. Review status: criteria provided, single submitter. Criteria: Ambry Variant Classification Scheme 2023. Collection method: clinical testing. Allele origin: germline.

Labcorp Genetics (formerly Invitae), Labcorp
Classification: Uncertain significance for Joubert syndrome; Meckel-Gruber syndrome; Nephronophthisis. Last evaluated: 2022-08-19. Review status: criteria provided, single submitter. Criteria: Invitae Variant Classification Sherloc (09022015). Collection method: clinical testing. Allele origin: germline.
Comment: This sequence change replaces methionine, which is neutral and non-polar, with isoleucine, which is neutral and non-polar, at codon 924 of the CEP290 protein (p.Met924Ile). This variant is not present in population databases (gnomAD no frequency). This variant has not been reported in the literature in individuals affected with CEP290-related conditions. ClinVar contains an entry for this variant (Variation ID: 1308591). Algorithms developed to predict the effect of missense changes on protein structure and function are either unavailable or do not agree on the potential impact of this missense change (SIFT: "Tolerated"; PolyPhen-2: "Possibly Damaging"; Align-GVGD: "Class C0"). In summary, the available evidence is currently insufficient to determine the role of this variant in disease. Therefore, it has been classified as a Variant of Uncertain Significance.

Fulgent Genetics
Classification: Uncertain significance for Joubert syndrome 5; Senior-Loken syndrome 6; Meckel syndrome, type 4; Leber congenital amaurosis 10; Bardet-Biedl syndrome 14. Last evaluated: 2022-05-24. Review status: criteria provided, single submitter. Criteria: ACMG Guidelines, 2015. Collection method: clinical testing. Allele origin: unknown.

GeneDx
Classification: Uncertain significance. Last evaluated: 2019-04-10. Review status: criteria provided, single submitter. Criteria: GeneDx Variant Classification Process June 2021. Collection method: clinical testing. Allele origin: germline. Affected: yes.
Comment: Not observed in large population cohorts (Lek et al., 2016); In silico analysis, which includes protein predictors and evolutionary conservation, supports that this variant does not alter protein structure/function; Has not been previously published as pathogenic or benign to our knowledge

NM_025114.4(CEP290):c.2772G>A (p.Met924Ile)

Gene: CEP290 (centrosomal protein 290; minus strand). Cytogenetic location: 12q21.32.
Variant type: single nucleotide variant.
Coding change: c.2772G>A on transcript NM_025114.4 (MANE Select); coding-DNA position 2772, G replaced by A.
Protein change: p.Met924Ile; replaces methionine 924 with isoleucine.
Molecular consequence: missense variant.
Genome position (GRCh38, 1-based): chr12:88,106,720, C>T on the plus strand (G>A on the coding strand, the complement: CEP290 is on the minus strand). VCF-style: chr12-88106720-C-T. GRCh37 (hg19) VCF-style: chr12-88500497-C-T.
Other names: short protein forms M924I.
Identifiers: ClinVar variation 1308591 (VCV001308591.6), dbSNP rs1000757966, ClinGen allele CA241149009.
Genomic context (GRCh38, chr12:88,106,720, plus strand): 5'-AAGAATCAGATGTACCTTAAATCTTTGCAAACACCCAATTTTTTCACAAACTTCAGCCTC[C>T]ATTGACAACAATTCATTCTTTTGCTTCTCATTTTCTTTTCTAAGTTGTCGCTCCAATTCT-3'
Protein context (NP_079390.3, residues 914-934): NEKQKNELLS[Met924Ile]EAEVCEKIGC